The following is an entry in ClinVar:

NM_015404.4(WHRN):c.2000C>T (p.Ala667Val)

Gene: WHRN (whirlin; minus strand). Cytogenetic location: 9q32.
Variant type: single nucleotide variant.
Coding change: c.2000C>T on transcript NM_015404.4 (MANE Select); coding-DNA position 2000, C replaced by T.
Protein change: p.Ala667Val; replaces alanine 667 with valine.
Molecular consequence: missense variant.
Genome position (GRCh38, 1-based): chr9:114,406,591, G>A on the plus strand (C>T on the coding strand, the complement: WHRN is on the minus strand). VCF-style: chr9-114406591-G-A. GRCh37 (hg19) VCF-style: chr9-117168871-G-A.
Other names: c.851C>T, p.Ala284Val (NM_001083885.3); c.2000C>T, p.Ala667Val (NM_001173425.2); c.947C>T, p.Ala316Val (NM_001346890.1); short protein forms A284V, A316V, A667V.
Identifiers: ClinVar variation 1019281 (VCV001019281.8), dbSNP rs765997191, ClinGen allele CA374620496.

ClinVar aggregate classification (germline): Uncertain significance (1 of 4 stars; one submission).

gnomAD v4.1: 1 of 1,610,742 alleles (0.000062%); highest among the groups gnomAD compares: Admixed American, 0.0017%; no homozygotes.

Submission:

Labcorp Genetics (formerly Invitae), Labcorp
Classification: Uncertain significance. Last evaluated: 2022-02-10. Review status: criteria provided, single submitter. Criteria: Invitae Variant Classification Sherloc (09022015). Collection method: clinical testing. Allele origin: germline.
Comment: This sequence change replaces alanine, which is neutral and non-polar, with valine, which is neutral and non-polar, at codon 667 of the WHRN protein (p.Ala667Val). In summary, the available evidence is currently insufficient to determine the role of this variant in disease. Therefore, it has been classified as a Variant of Uncertain Significance. Algorithms developed to predict the effect of missense changes on protein structure and function (SIFT, PolyPhen-2, Align-GVGD) all suggest that this variant is likely to be tolerated. ClinVar contains an entry for this variant (Variation ID: 1019281). This variant has not been reported in the literature in individuals affected with WHRN-related conditions. This variant is present in population databases (no rsID available, gnomAD 0.006%).